The following is an entry in ClinVar:

NM_018486.3(HDAC8):c.844G>T (p.Val282Leu)

Gene: HDAC8 (histone deacetylase 8; minus strand). Cytogenetic location: Xq13.1.
Variant type: single nucleotide variant.
Coding change: c.844G>T on transcript NM_018486.3 (MANE Select); coding-DNA position 844, G replaced by T.
Protein change: p.Val282Leu; replaces valine 282 with leucine.
Molecular consequence: missense variant. On other transcripts: non-coding transcript variant (5).
Genome position (GRCh38, 1-based): chrX:72,464,625, C>A on the plus strand (G>T on the coding strand, the complement: HDAC8 is on the minus strand). VCF-style: chrX-72464625-C-A. GRCh37 (hg19) VCF-style: chrX-71684475-C-A.
Other names: c.571G>T, p.Val191Leu (NM_001166418.2, NM_001410728.1); c.844G>T, p.Val282Leu (NM_001410725.1, NM_001410729.1); c.766G>T, p.Val256Leu (NM_001410727.1); c.544G>T, p.Val182Leu (NM_001441234.1); short protein forms V191L, V256L, V282L, V182L.
Identifiers: ClinVar variation 4525769 (VCV004525769.1).

ClinVar aggregate classification (germline): Uncertain significance (1 of 4 stars; one submission).

gnomAD v4.1: 1 of 1,207,397 alleles (0.000083%); highest among the groups gnomAD compares: African/African-American, 0.0017%; no homozygotes.

Submission:

Women's Health and Genetics/Laboratory Corporation of America, LabCorp
Classification: Uncertain significance. Last evaluated: 2025-07-18. Review status: criteria provided, single submitter. Criteria: LabCorp Variant Classification Summary - May 2015. Collection method: clinical testing. Allele origin: germline.
Comment: Variant summary: HDAC8 c.844G>T (p.Val282Leu) results in a conservative amino acid change in the encoded protein sequence. Algorithms developed to predict the effect of missense changes on protein structure and function are either unavailable or do not agree on the potential impact of this missense change. The variant was absent in 183439 control chromosomes (gnomAD). The available data on variant occurrences in the general population are insufficient to allow any conclusion about variant significance. To our knowledge, no occurrence of c.844G>T in individuals affected with Cornelia De Lange Syndrome 5 and no experimental evidence demonstrating its impact on protein function have been reported. No submitters have cited clinical-significance assessments for this variant to ClinVar. Based on the evidence outlined above, the variant was classified as uncertain significance.